The following is an entry in ClinVar:

NM_002047.4(GARS1):c.263A>G (p.Gln88Arg)

Gene: GARS1 (glycyl-tRNA synthetase 1; plus strand). Cytogenetic location: 7p14.3.
Variant type: single nucleotide variant.
Coding change: c.263A>G on transcript NM_002047.4 (MANE Select); coding-DNA position 263, A replaced by G.
Protein change: p.Gln88Arg; replaces glutamine 88 with arginine.
Molecular consequence: missense variant.
Genome position (GRCh38, 1-based): chr7:30,598,836, A>G. VCF-style: chr7-30598836-A-G. GRCh37 (hg19) VCF-style: chr7-30638452-A-G.
Other names: c.101A>G, p.Gln34Arg (NM_001316772.1); short protein forms Q88R, Q34R.
Identifiers: ClinVar variation 2724010 (VCV002724010.3), dbSNP rs1222987042, ClinGen allele CA367138932.

ClinVar aggregate classification (germline): Uncertain significance (1 of 4 stars; one submission).

Conditions:
Charcot-Marie-Tooth disease type 2. Also called: Charcot-Marie-Tooth type 2. Identifiers: Orphanet 64746, MedGen C0270914, MONDO:0018993.

Allele frequency attached by ClinVar (database versions not stated): gnomAD exomes below 0.00001; TOPMed below 0.00001.
gnomAD v4.1: 1 of 1,614,220 alleles (0.000062%); highest among the groups gnomAD compares: Non-Finnish European, 0.000085%; no homozygotes.

Submission:

Labcorp Genetics (formerly Invitae), Labcorp
Classification: Uncertain significance for Charcot-Marie-Tooth disease type 2. Last evaluated: 2023-08-19. Review status: criteria provided, single submitter. Criteria: Invitae Variant Classification Sherloc (09022015). Collection method: clinical testing. Allele origin: germline.
Comment: In summary, the available evidence is currently insufficient to determine the role of this variant in disease. Therefore, it has been classified as a Variant of Uncertain Significance. Advanced modeling of protein sequence and biophysical properties (such as structural, functional, and spatial information, amino acid conservation, physicochemical variation, residue mobility, and thermodynamic stability) performed at Invitae indicates that this missense variant is not expected to disrupt GARS protein function. This variant has not been reported in the literature in individuals affected with GARS-related conditions. This variant is not present in population databases (gnomAD no frequency). This sequence change replaces glutamine, which is neutral and polar, with arginine, which is basic and polar, at codon 88 of the GARS protein (p.Gln88Arg).